The following is an entry in ClinVar:

ClinVar aggregate classification (germline): Uncertain significance. Review status: criteria provided, multiple submitters, no conflicts (2 of 4 stars). 2 submissions from 2 submitters: Uncertain significance (2). Last evaluated 2024-01-03.

Conditions:
Inborn genetic diseases. Identifiers: MedGen C0950123, MeSH D030342.

Allele frequency attached by ClinVar (database versions not stated): gnomAD 0.00002; gnomAD exomes 0.00003; ExAC 0.00006; TOPMed 0.00003.
gnomAD v4.1: 35 of 1,548,138 alleles (0.0023%); highest among the groups gnomAD compares: Non-Finnish European, 0.003%; no homozygotes.

Submissions (2):

Ambry Genetics
Classification: Uncertain significance for Inborn genetic diseases. Last evaluated: 2024-01-03. Review status: criteria provided, single submitter. Criteria: Ambry Variant Classification Scheme 2023. Collection method: clinical testing. Allele origin: germline.

Labcorp Genetics (formerly Invitae), Labcorp
Classification: Uncertain significance. Last evaluated: 2022-04-29. Review status: criteria provided, single submitter. Criteria: Invitae Variant Classification Sherloc (09022015). Collection method: clinical testing. Allele origin: germline.
Comment: This sequence change replaces valine, which is neutral and non-polar, with glutamic acid, which is acidic and polar, at codon 1325 of the OBSL1 protein (p.Val1325Glu). This variant is present in population databases (rs759293822, gnomAD 0.007%). This variant has not been reported in the literature in individuals affected with OBSL1-related conditions. ClinVar contains an entry for this variant (Variation ID: 1019478). Algorithms developed to predict the effect of missense changes on protein structure and function (SIFT, PolyPhen-2, Align-GVGD) all suggest that this variant is likely to be tolerated. In summary, the available evidence is currently insufficient to determine the role of this variant in disease. Therefore, it has been classified as a Variant of Uncertain Significance.

NM_015311.3(OBSL1):c.3974T>A (p.Val1325Glu)

Gene: OBSL1 (obscurin like cytoskeletal adaptor 1; minus strand). Cytogenetic location: 2q35.
Variant type: single nucleotide variant.
Coding change: c.3974T>A on transcript NM_015311.3 (MANE Select); coding-DNA position 3974, T replaced by A.
Protein change: p.Val1325Glu; replaces valine 1325 with glutamic acid.
Molecular consequence: missense variant.
Genome position (GRCh38, 1-based): chr2:219,557,435, A>T on the plus strand (T>A on the coding strand, the complement: OBSL1 is on the minus strand). VCF-style: chr2-219557435-A-T. GRCh37 (hg19) VCF-style: chr2-220422157-A-T.
Other names: c.3974T>A, p.Val1325Glu (NM_001173431.2); c.3974T>A (NM_015311.2); short protein forms V1325E.
Identifiers: ClinVar variation 1019478 (VCV001019478.6), dbSNP rs759293822, ClinGen allele CA2130705.